The following is an entry in ClinVar:

NM_002890.3(RASA1):c.162G>C (p.Glu54Asp)

Gene: RASA1 (RAS p21 protein activator 1; plus strand). Cytogenetic location: 5q14.3.
Variant type: single nucleotide variant.
Coding change: c.162G>C on transcript NM_002890.3 (MANE Select); coding-DNA position 162, G replaced by C.
Protein change: p.Glu54Asp; replaces glutamic acid 54 with aspartic acid.
Molecular consequence: missense variant.
Genome position (GRCh38, 1-based): chr5:87,268,613, G>C. VCF-style: chr5-87268613-G-C. GRCh37 (hg19) VCF-style: chr5-86564430-G-C.
Other names: p.Glu54Asp; short protein forms E54D.
Identifiers: ClinVar variation 464852 (VCV000464852.22), dbSNP rs201502793, ClinGen allele CA3335340.

ClinVar aggregate classification (germline): Benign/Likely benign. Review status: criteria provided, multiple submitters, no conflicts (2 of 4 stars). 6 submissions from 6 submitters: Benign (1); Likely benign (4). 1 of the submissions does not count toward it. Last evaluated 2026-01-18.

Conditions:
Capillary malformation-arteriovenous malformation syndrome. Also called: Capillary malformation-arteriovenous malformation. Identifiers: Orphanet 137667, MedGen C1842180, MONDO:0012016.
Cardiovascular phenotype. Identifiers: MedGen CN230736.
RASA1-related disorder. Also called: RASA1-related condition.
Capillary malformation-arteriovenous malformation 1 (CMAVM1). Identifiers: Orphanet 137667, Orphanet 693907, MedGen C4747394, MONDO:0020783, OMIM 608354.

Allele frequency attached by ClinVar (database versions not stated): gnomAD exomes 0.00008 and 0.00018; ExAC 0.00025; ESP Exome Variant Server 0.00039; 1000 Genomes Project 0.00060; 1000 Genomes Project 30x 0.00062; gnomAD 0.00067 and 0.00073; TOPMed 0.00082.

Submissions (6):

Labcorp Genetics (formerly Invitae), Labcorp
Classification: Likely benign for Capillary malformation-arteriovenous malformation syndrome. Last evaluated: 2026-01-18. Review status: criteria provided, single submitter. Criteria: Invitae Variant Classification Sherloc (09022015). Collection method: clinical testing. Allele origin: germline.

Mayo Clinic Laboratories, Mayo Clinic
Classification: Likely benign. Last evaluated: 2025-04-08. Review status: criteria provided, single submitter. Criteria: ACMG Guidelines, 2015. Collection method: clinical testing. Allele origin: germline. Observed: 1 variant allele.
Comment: BS1, BP4_moderate

Blueprint Genetics
Classification: Likely benign. Last evaluated: 2024-07-16. Review status: criteria provided, single submitter. Criteria: ACMG Guidelines, 2015. Collection method: clinical testing. Allele origin: germline.

Ambry Genetics
Classification: Likely benign for Cardiovascular phenotype. Last evaluated: 2020-10-20. Review status: criteria provided, single submitter. Criteria: Ambry Variant Classification Scheme 2023. Collection method: clinical testing. Allele origin: germline.

Illumina Laboratory Services, Illumina
Classification: Benign for Capillary malformation-arteriovenous malformation 1. Last evaluated: 2018-01-13. Review status: criteria provided, single submitter. Criteria: ICSL Variant Classification Criteria 13 December 2019. Collection method: clinical testing. Allele origin: germline.
Comment: This variant was observed in the ICSL laboratory as part of a predisposition screen in an ostensibly healthy population. It had not been previously curated by ICSL or reported in the Human Gene Mutation Database (HGMD: prior to June 1st, 2018), and was therefore a candidate for classification through an automated scoring system. Utilizing variant allele frequency, disease prevalence and penetrance estimates, and inheritance mode, an automated score was calculated to assess if this variant is too frequent to cause the disease. Based on the score and internal cut-off values, a variant classified as benign is not then subjected to further curation. The score for this variant resulted in a classification of benign for this disease.

PreventionGenetics, part of Exact Sciences
Classification: Likely benign for RASA1-related condition. Last evaluated: 2020-03-11. Review status: no assertion criteria provided. Collection method: clinical testing. Allele origin: germline. Not counted in ClinVar's aggregate classification.
Comment: This variant is classified as likely benign based on ACMG/AMP sequence variant interpretation guidelines (Richards et al. 2015 PMID: 25741868, with internal and published modifications).